The following is an entry in ClinVar:

ClinVar aggregate classification (germline): Uncertain significance (1 of 4 stars; one submission).

Conditions:
Beta-D-mannosidosis (MANSB). Also called: MANNOSIDOSIS, BETA A, LYSOSOMAL; BETA-MANNOSIDASE DEFICIENCY; LYSOSOMAL BETA-MANNOSIDASE DEFICIENCY; Beta-Mannosidosis. Identifiers: Orphanet 118, MedGen C4048196, MONDO:0009562, OMIM 248510.

Submission:

Labcorp Genetics (formerly Invitae), Labcorp
Classification: Uncertain significance for Beta-D-mannosidosis. Last evaluated: 2022-06-27. Review status: criteria provided, single submitter. Criteria: Invitae Variant Classification Sherloc (09022015). Collection method: clinical testing. Allele origin: germline.
Comment: Algorithms developed to predict the effect of missense changes on protein structure and function are either unavailable or do not agree on the potential impact of this missense change (SIFT: "Deleterious"; PolyPhen-2: "Possibly Damaging"; Align-GVGD: "Class C0"). In summary, the available evidence is currently insufficient to determine the role of this variant in disease. Therefore, it has been classified as a Variant of Uncertain Significance. This variant has not been reported in the literature in individuals affected with MANBA-related conditions. This variant is not present in population databases (gnomAD no frequency). This sequence change replaces asparagine, which is neutral and polar, with serine, which is neutral and polar, at codon 786 of the MANBA protein (p.Asn786Ser).

NM_005908.4(MANBA):c.2357A>G (p.Asn786Ser)

Gene: MANBA (mannosidase beta; minus strand). Cytogenetic location: 4q24.
Variant type: single nucleotide variant.
Coding change: c.2357A>G on transcript NM_005908.4 (MANE Select); coding-DNA position 2357, A replaced by G.
Protein change: p.Asn786Ser; replaces asparagine 786 with serine.
Molecular consequence: missense variant.
Genome position (GRCh38, 1-based): chr4:102,634,846, T>C on the plus strand (A>G on the coding strand, the complement: MANBA is on the minus strand). VCF-style: chr4-102634846-T-C. GRCh37 (hg19) VCF-style: chr4-103556003-T-C.
Other names: short protein forms N786S.
Identifiers: ClinVar variation 1369400 (VCV001369400.7), dbSNP rs2110188500, ClinGen allele CA357756666.